The following is an entry in ClinVar:

NM_003151.4(STAT4):c.1333G>A (p.Glu445Lys)

Gene: STAT4 (signal transducer and activator of transcription 4; minus strand). Cytogenetic location: 2q32.2.
Variant type: single nucleotide variant.
Coding change: c.1333G>A on transcript NM_003151.4 (MANE Select); coding-DNA position 1333, G replaced by A.
Protein change: p.Glu445Lys; replaces glutamic acid 445 with lysine.
Molecular consequence: missense variant.
Genome position (GRCh38, 1-based): chr2:191,041,067, C>T on the plus strand (G>A on the coding strand, the complement: STAT4 is on the minus strand). VCF-style: chr2-191041067-C-T. GRCh37 (hg19) VCF-style: chr2-191905793-C-T.
Other names: c.1333G>A, p.Glu445Lys (NM_001243835.2); short protein forms E445K.
Identifiers: ClinVar variation 1507073 (VCV001507073.8), dbSNP rs1297504781, ClinGen allele CA349911231.

ClinVar aggregate classification (germline): Uncertain significance (1 of 4 stars; one submission).

Allele frequency attached by ClinVar (database versions not stated): gnomAD exomes below 0.00001 and 0.00001; gnomAD 0.00001; TOPMed 0.00002.
gnomAD v4.1: 3 of 1,447,128 alleles (0.00021%); highest among the groups gnomAD compares: Non-Finnish European, 0.00018%; no homozygotes.

Submission:

Labcorp Genetics (formerly Invitae), Labcorp
Classification: Uncertain significance. Last evaluated: 2022-11-08. Review status: criteria provided, single submitter. Criteria: Invitae Variant Classification Sherloc (09022015). Collection method: clinical testing. Allele origin: germline.
Comment: This variant has not been reported in the literature in individuals affected with STAT4-related conditions. The frequency data for this variant in the population databases is considered unreliable, as metrics indicate poor data quality at this position in the gnomAD database. This sequence change replaces glutamic acid, which is acidic and polar, with lysine, which is basic and polar, at codon 445 of the STAT4 protein (p.Glu445Lys). ClinVar contains an entry for this variant (Variation ID: 1507073). In summary, the available evidence is currently insufficient to determine the role of this variant in disease. Therefore, it has been classified as a Variant of Uncertain Significance. Algorithms developed to predict the effect of missense changes on protein structure and function are either unavailable or do not agree on the potential impact of this missense change (SIFT: "Tolerated"; PolyPhen-2: "Probably Damaging"; Align-GVGD: "Class C0").